The following is an entry in ClinVar:

NM_030973.4(MED25):c.1231-5dup

Gene: MED25 (mediator complex subunit 25; plus strand). Cytogenetic location: 19q13.33.
Variant type: Duplication.
Coding change: c.1231-5dup on transcript NM_030973.4 (MANE Select); 5 bases into the intron before coding-DNA position 1231, one base duplicated (C; older notation c.1231-5dupC).
Molecular consequence: intron variant.
Genome position (GRCh38, 1-based): chr19:49,831,931, C duplicated; the last of 5 consecutive C bases (chr19:49,831,927-49,831,931); duplicating any one gives the same sequence. VCF-style (leftmost placement, unchanged base first): chr19-49831926-T-TC. GRCh37 (hg19) VCF-style: chr19-50335183-T-TC.
Other names: c.1231-5dup (NM_001378355.1); c.1231-5dupC (NM_030973.4).
Identifiers: ClinVar variation 1164808 (VCV001164808.10), dbSNP rs778157941, ClinGen allele CA9585196.

ClinVar aggregate classification (germline): Benign/Likely benign. Review status: criteria provided, multiple submitters, no conflicts (2 of 4 stars). 2 submissions from 2 submitters: Benign (1); Likely benign (1). Last evaluated 2025-07-22.

Conditions:
Charcot-Marie-Tooth disease type 2. Also called: Charcot-Marie-Tooth type 2. Identifiers: Orphanet 64746, MedGen C0270914, MONDO:0018993.

Submissions (2):

Women's Health and Genetics/Laboratory Corporation of America, LabCorp
Classification: Likely benign. Last evaluated: 2025-07-22. Review status: criteria provided, single submitter. Criteria: LabCorp Variant Classification Summary - May 2015. Collection method: clinical testing. Allele origin: germline.
Comment: Variant summary: MED25 c.1231-5dupC alters a non-conserved nucleotide located at a position not widely known to affect splicing. Consensus agreement among computation tools predict no significant impact on normal splicing. However, these predictions have yet to be confirmed by functional studies. The variant allele was found at a frequency of 3.2e-05 in 251190 control chromosomes. The available data on variant occurrences in the general population are insufficient to allow any conclusion about variant significance. To our knowledge, no occurrence of c.1231-5dupC in individuals affected with Congenital cataract-microcephaly-nevus flammeus simplex-severe intellectual disability syndrome and no experimental evidence demonstrating its impact on protein function have been reported. ClinVar contains an entry for this variant (Variation ID: 1164808). Based on the evidence outlined above, the variant was classified as likely benign.

Labcorp Genetics (formerly Invitae), Labcorp
Classification: Benign for Charcot-Marie-Tooth disease type 2. Last evaluated: 2025-06-27. Review status: criteria provided, single submitter. Criteria: Invitae Variant Classification Sherloc (09022015). Collection method: clinical testing. Allele origin: germline.